The following is an entry in ClinVar:

ClinVar aggregate classification (germline): Uncertain significance (1 of 4 stars; one submission).

Allele frequency attached by ClinVar (database versions not stated): gnomAD 0.00001; TOPMed 0.00001.
gnomAD v4.1: 4 of 1,614,046 alleles (0.00025%); highest among the groups gnomAD compares: African/African-American, 0.004%; no homozygotes.

Submission:

Labcorp Genetics (formerly Invitae), Labcorp
Classification: Uncertain significance. Last evaluated: 2024-04-17. Review status: criteria provided, single submitter. Criteria: Invitae Variant Classification Sherloc (09022015). Collection method: clinical testing. Allele origin: germline.
Comment: This sequence change replaces valine, which is neutral and non-polar, with phenylalanine, which is neutral and non-polar, at codon 70 of the LZTS1 protein (p.Val70Phe). This variant is present in population databases (no rsID available, gnomAD 0.03%). This variant has not been reported in the literature in individuals affected with LZTS1-related conditions. Advanced modeling of protein sequence and biophysical properties (such as structural, functional, and spatial information, amino acid conservation, physicochemical variation, residue mobility, and thermodynamic stability) has been performed at Invitae for this missense variant, however the output from this modeling did not meet the statistical confidence thresholds required to predict the impact of this variant on LZTS1 protein function. In summary, the available evidence is currently insufficient to determine the role of this variant in disease. Therefore, it has been classified as a Variant of Uncertain Significance.

NM_021020.5(LZTS1):c.208G>T (p.Val70Phe)

Gene: LZTS1 (leucine zipper tumor suppressor 1; minus strand). Cytogenetic location: 8p21.3.
Variant type: single nucleotide variant.
Coding change: c.208G>T on transcript NM_021020.5 (MANE Select); coding-DNA position 208, G replaced by T.
Protein change: p.Val70Phe; replaces valine 70 with phenylalanine.
Molecular consequence: missense variant.
Genome position (GRCh38, 1-based): chr8:20,254,974, C>A on the plus strand (G>T on the coding strand, the complement: LZTS1 is on the minus strand). VCF-style: chr8-20254974-C-A. GRCh37 (hg19) VCF-style: chr8-20112485-C-A.
Other names: c.208G>T, p.Val70Phe (NM_001362884.2); short protein forms V70F.
Identifiers: ClinVar variation 3009322 (VCV003009322.3), dbSNP rs1208354631, ClinGen allele CA370478758.